The following is an entry in ClinVar:

NM_000222.3(KIT):c.55C>T (p.Arg19Cys)

Gene: KIT (KIT proto-oncogene, receptor tyrosine kinase; plus strand). Cytogenetic location: 4q12.
Variant type: single nucleotide variant.
Coding change: c.55C>T on transcript NM_000222.3 (MANE Select); coding-DNA position 55, C replaced by T.
Protein change: p.Arg19Cys; replaces arginine 19 with cysteine.
Molecular consequence: missense variant.
Genome position (GRCh38, 1-based): chr4:54,658,069, C>T. VCF-style: chr4-54658069-C-T. GRCh37 (hg19) VCF-style: chr4-55524236-C-T.
Other names: c.55C>T, p.Arg19Cys (NM_001093772.2, NM_001385284.1, NM_001385285.1 and 4 more transcripts); short protein forms R19C.
Identifiers: ClinVar variation 3534723 (VCV003534723.1).

ClinVar aggregate classification (germline): Uncertain significance (1 of 4 stars; one submission).

Conditions:
Hereditary cancer-predisposing syndrome. Also called: Hereditary Cancer Syndrome; Hereditary neoplastic syndrome; Tumor predisposition; Neoplastic Syndromes, Hereditary. Identifiers: Orphanet 140162, MedGen C0027672, MeSH D009386, MONDO:0015356.

gnomAD v4.1: 1 of 1,613,934 alleles (0.000062%); highest among the groups gnomAD compares: South Asian, 0.0011%; no homozygotes.

Submission:

Ambry Genetics
Classification: Uncertain significance for Hereditary cancer-predisposing syndrome. Last evaluated: 2024-10-19. Review status: criteria provided, single submitter. Criteria: Ambry Variant Classification Scheme 2023. Collection method: clinical testing. Allele origin: germline.
Comment: The p.R19C variant (also known as c.55C>T), located in coding exon 1 of the KIT gene, results from a C to T substitution at nucleotide position 55. The arginine at codon 19 is replaced by cysteine, an amino acid with highly dissimilar properties. This amino acid position is conserved. In addition, this alteration is predicted to be tolerated by in silico analysis. Based on the available evidence, the clinical significance of this variant remains unclear.